The following is an entry in ClinVar:

GRCh38/hg38 22q11.21(chr22:18339130-21101267)x3

Genes: AIFM3 (AIF family member 3; plus strand), ARVCF (ARVCF delta catenin family member; minus strand), C22orf39 (chromosome 22 open reading frame 39; minus strand), CCDC188 (coiled-coil domain containing 188; minus strand), CDC45 (cell division cycle 45; plus strand) and 185 more. Cytogenetic location: 22q11.21.
Variant type: copy number gain.
Change: copy number 3 (three copies instead of two) of chr22:18,339,130-21,101,267 (2.76 Mb, GRCh38 coordinates, 1-based), cytogenetic band 22q11.21.
Identifiers: ClinVar variation 58195 (VCV000058195.2).

ClinVar aggregate classification (germline): Pathogenic (1 of 4 stars; one submission).

Submission:

ISCA Site 6
Classification: Pathogenic. Last evaluated: 2011-08-12. Review status: criteria provided, single submitter. Criteria: Kaminsky et al. (Genet Med. 2011). Collection method: clinical testing. Allele origin: de novo. Affected: yes. Observed: 1 variant allele.
Comment: Copy number variation identified through the course of routine clinical cytogenomic testing in postnatal populations. Clinical assertions have been curated as described in Kaminsky et al. 2011.